The following is an entry in ClinVar:

NM_002705.5(PPL):c.5004G>A (p.Glu1668=)

Gene: PPL (periplakin; minus strand). Cytogenetic location: 16p13.3.
Variant type: single nucleotide variant.
Coding change: c.5004G>A on transcript NM_002705.5 (MANE Select); coding-DNA position 5004, G replaced by A.
Protein change: p.Glu1668=; no amino-acid change (glutamic acid 1668 retained).
Molecular consequence: synonymous variant.
Genome position (GRCh38, 1-based): chr16:4,883,651, C>T on the plus strand (G>A on the coding strand, the complement: PPL is on the minus strand). VCF-style: chr16-4883651-C-T. GRCh37 (hg19) VCF-style: chr16-4933652-C-T.
Identifiers: ClinVar variation 2646163 (VCV002646163.24), dbSNP rs148607035, ClinGen allele CA7885173.
Genomic context (GRCh38, chr16:4,883,651, plus strand): 5'-GAGTTTCACGAACATGTTCCAGTCAATGAGCCCGGCACGGTGGGCTTCCTCCGGGGACAG[C>T]TCGCGGCCTGTGTCAGGGTGGATGACTACGATGGAGCGCCGCAGGTGGTTCTCCCGCTGC-3'
Protein context (NP_002696.4, residues 1658-1678): IVVIHPDTGR[Glu1668=]LSPEEAHRAG

ClinVar aggregate classification (germline): Likely benign (1 of 4 stars; one submission).

Allele frequency attached by ClinVar (database versions not stated): 1000 Genomes Project 30x 0.00031; 1000 Genomes Project 0.00040; ESP Exome Variant Server 0.00092; TOPMed 0.00092; gnomAD exomes 0.00104; ExAC 0.00115; gnomAD 0.00119.
gnomAD v4.1: 1,681 of 1,614,188 alleles (0.1%); highest among the groups gnomAD compares: Non-Finnish European, 0.13%; 3 homozygotes.

Submission:

CeGaT Center for Human Genetics Tuebingen
Classification: Likely benign. Last evaluated: 2024-11-01. Review status: criteria provided, single submitter. Criteria: CeGaT Center For Human Genetics Tuebingen Variant Classification Criteria Version 2. Collection method: clinical testing. Allele origin: germline. Affected: yes. Observed: 3 variant alleles.
Comment: PPL: BP4